The following is an entry in ClinVar:

NM_199242.3(UNC13D):c.175G>A (p.Ala59Thr)

Gene: UNC13D (unc-13 homolog D; minus strand). Cytogenetic location: 17q25.1.
Variant type: single nucleotide variant.
Coding change: c.175G>A on transcript NM_199242.3 (MANE Select); coding-DNA position 175, G replaced by A.
Protein change: p.Ala59Thr; replaces alanine 59 with threonine.
Molecular consequence: missense variant.
Genome position (GRCh38, 1-based): chr17:75,843,245, C>T on the plus strand (G>A on the coding strand, the complement: UNC13D is on the minus strand). VCF-style: chr17-75843245-C-T. GRCh37 (hg19) VCF-style: chr17-73839326-C-T.
Other names: short protein forms A59T.
Identifiers: ClinVar variation 263219 (VCV000263219.30), dbSNP rs9904366, ClinGen allele CA8773587.

ClinVar aggregate classification (germline): Conflicting classifications of pathogenicity. Review status: criteria provided, conflicting classifications (1 of 4 stars). 9 submissions from 9 submitters: Uncertain significance (1); Benign (5); Likely benign (3). Last evaluated 2026-09-01.

Conditions:
Autoinflammatory syndrome. Identifiers: Orphanet 93665, MedGen C3890737, MONDO:0019751.
Familial hemophagocytic lymphohistiocytosis 3 (FHL3). Also called: UNC13D-Related Familial Hemophagocytic Lymphohistiocytosis (UNC13D-fHLH). Identifiers: Orphanet 540, MedGen C1837174, MONDO:0012146, OMIM 608898.

Allele frequency attached by ClinVar (database versions not stated): gnomAD 0.01403 and 0.01423; 1000 Genomes Project 30x 0.01499; 1000 Genomes Project 0.01558; ESP Exome Variant Server 0.01615; TOPMed 0.01634.
gnomAD v4.1: 22,721 of 1,609,142 alleles (1.4%); highest among the groups gnomAD compares: Middle Eastern, 13%; 408 homozygotes.

Submissions (9):

CeGaT Center for Human Genetics Tuebingen
Classification: Benign. Last evaluated: 2026-09-01. Review status: criteria provided, single submitter. Criteria: CeGaT Center For Human Genetics Tuebingen Variant Classification Criteria Version 2. Collection method: clinical testing. Allele origin: germline. Affected: yes. Observed: 5 variant alleles.
Comment: UNC13D: PM5, BP4, BS1, BS2

Labcorp Genetics (formerly Invitae), Labcorp
Classification: Benign for Familial hemophagocytic lymphohistiocytosis 3. Last evaluated: 2026-02-03. Review status: criteria provided, single submitter. Criteria: Invitae Variant Classification Sherloc (09022015). Collection method: clinical testing. Allele origin: germline.

Genomic Medicine Center of Excellence, King Faisal Specialist Hospital and Research Centre
Classification: Likely benign for Familial hemophagocytic lymphohistiocytosis 3. Last evaluated: 2025-07-30. Review status: criteria provided, single submitter. Criteria: ACMG Guidelines, 2015. Collection method: clinical testing. Allele origin: germline.

Blueprint Genetics
Classification: Likely benign. Last evaluated: 2024-11-26. Review status: criteria provided, single submitter. Criteria: ACMG Guidelines, 2015. Collection method: clinical testing. Allele origin: germline.

Mayo Clinic Laboratories, Mayo Clinic
Classification: Benign. Last evaluated: 2024-03-01. Review status: criteria provided, single submitter. Criteria: ACMG Guidelines, 2015. Collection method: clinical testing. Allele origin: germline. Observed: 25 variant alleles.
Comment: BS1, BS2, BP4

Genome Diagnostics Laboratory, The Hospital for Sick Children
Classification: Benign for Autoinflammatory syndrome. Last evaluated: 2022-02-08. Review status: criteria provided, single submitter. Criteria: ACMG Guidelines, 2015. Collection method: clinical testing. Allele origin: germline. Affected: yes.

Women's Health and Genetics/Laboratory Corporation of America, LabCorp
Classification: Likely benign. Last evaluated: 2021-12-10. Review status: criteria provided, single submitter. Criteria: LabCorp Variant Classification Summary - May 2015. Collection method: clinical testing. Allele origin: germline.

Illumina Laboratory Services, Illumina
Classification: Uncertain significance for Familial hemophagocytic lymphohistiocytosis 3. Last evaluated: 2017-04-27. Review status: criteria provided, single submitter. Criteria: ICSL Variant Classification Criteria 13 December 2019. Collection method: clinical testing. Allele origin: germline.
Comment: This variant was observed as part of a predisposition screen in an ostensibly healthy population. A literature search was performed for the gene, cDNA change, and amino acid change (where applicable). Publications were found based on this search. However, the evidence from the literature, in combination with allele frequency data from public databases where available, was not sufficient to rule this variant in or out of causing disease. Therefore, this variant is classified as a variant of unknown significance.

PreventionGenetics, part of Exact Sciences
Classification: Benign. Review status: criteria provided, single submitter. Criteria: ACMG Guidelines, 2015. Collection method: clinical testing. Allele origin: germline.

Literature cited by the submitters: PubMed 16825436 (cited by Mayo Clinic Laboratories, Mayo Clinic and Illumina Laboratory Services, Illumina); PubMed 17993578 (cited by Illumina Laboratory Services, Illumina); PubMed 10459864 (cited by Illumina Laboratory Services, Illumina); PubMed 21094958 (cited by Illumina Laboratory Services, Illumina).